The following is an entry in ClinVar:

ClinVar aggregate classification (germline): Uncertain significance. Review status: criteria provided, multiple submitters, no conflicts (2 of 4 stars). 3 submissions from 3 submitters: Uncertain significance (3). Last evaluated 2025-06-25.

Conditions:
Inborn genetic diseases. Identifiers: MedGen C0950123, MeSH D030342.

Allele frequency attached by ClinVar (database versions not stated): gnomAD exomes below 0.00001 and 0.00001.
gnomAD v4.1: 6 of 1,473,400 alleles (0.00041%); highest among the groups gnomAD compares: South Asian, 0.0028%; no homozygotes.

Submissions (3):

Ambry Genetics
Classification: Uncertain significance for Inborn genetic diseases. Last evaluated: 2025-06-25. Review status: criteria provided, single submitter. Criteria: Ambry Variant Classification Scheme 2023. Collection method: clinical testing. Allele origin: germline.

Labcorp Genetics (formerly Invitae), Labcorp
Classification: Uncertain significance. Last evaluated: 2021-08-17. Review status: criteria provided, single submitter. Criteria: Invitae Variant Classification Sherloc (09022015). Collection method: clinical testing. Allele origin: germline.
Comment: This sequence change replaces isoleucine with valine at codon 451 of the ZSWIM6 protein (p.Ile451Val). The isoleucine residue is moderately conserved and there is a small physicochemical difference between isoleucine and valine. This variant is not present in population databases (ExAC no frequency). This variant has not been reported in the literature in individuals affected with ZSWIM6-related conditions. Algorithms developed to predict the effect of missense changes on protein structure and function (SIFT, PolyPhen-2, Align-GVGD) all suggest that this variant is likely to be tolerated. In summary, the available evidence is currently insufficient to determine the role of this variant in disease. Therefore, it has been classified as a Variant of Uncertain Significance.

Revvity Omics, Revvity
Classification: Uncertain significance. Last evaluated: 2020-04-04. Review status: criteria provided, single submitter. Criteria: ACMG Guidelines, 2015. Collection method: clinical testing. Allele origin: germline.

NM_020928.2(ZSWIM6):c.1351A>G (p.Ile451Val)

Gene: ZSWIM6 (zinc finger SWIM-type containing 6; plus strand). Cytogenetic location: 5q12.1.
Variant type: single nucleotide variant.
Coding change: c.1351A>G on transcript NM_020928.2 (MANE Select); coding-DNA position 1351, A replaced by G.
Protein change: p.Ile451Val; replaces isoleucine 451 with valine.
Molecular consequence: missense variant.
Genome position (GRCh38, 1-based): chr5:61,521,280, A>G. VCF-style: chr5-61521280-A-G. GRCh37 (hg19) VCF-style: chr5-60817107-A-G.
Other names: c.1351A>G (NM_020928.1); short protein forms I451V.
Identifiers: ClinVar variation 1433787 (VCV001433787.9), dbSNP rs1476488562, ClinGen allele CA359943103.
Genomic context (GRCh38, chr5:61,521,280, plus strand): 5'-TATAATTTTTGAACATTTATTTTCCTTTCCTCCTTTAAATTAGGTGCTCTGTGGATGTGT[A>G]TAGTTTTAAACCCCCACTGCAAGTTGGAGCAAAAGGCCAGTTGGCTAAAACAGCTGAAGA-3'
Protein context (NP_065979.1, residues 441-461): WDELGALWMC[Ile451Val]VLNPHCKLEQ